The following is an entry in ClinVar:

ClinVar aggregate classification (germline): Uncertain significance (1 of 4 stars; one submission).

Conditions:
Autosomal recessive limb-girdle muscular dystrophy type 2J (LGMDR10). Also called: Limb-girdle muscular dystrophy, type 2J; MUSCULAR DYSTROPHY, LIMB-GIRDLE, AUTOSOMAL RECESSIVE 10. Identifiers: Orphanet 140922, MedGen C1837342, MONDO:0012127, OMIM 608807.
Dilated cardiomyopathy 1G (CMD1G). Identifiers: Orphanet 154, MedGen C1858763, MONDO:0011400, OMIM 604145.

Submission:

Labcorp Genetics (formerly Invitae), Labcorp
Classification: Uncertain significance for Dilated cardiomyopathy 1G; Autosomal recessive limb-girdle muscular dystrophy type 2J. Last evaluated: 2024-08-01. Review status: criteria provided, single submitter. Criteria: Invitae Variant Classification Sherloc (09022015). Collection method: clinical testing. Allele origin: germline.
Comment: This sequence change replaces proline, which is neutral and non-polar, with histidine, which is basic and polar, at codon 34355 of the TTN protein (p.Pro34355His). This variant is not present in population databases (gnomAD no frequency). This variant has not been reported in the literature in individuals affected with TTN-related conditions. Experimental studies and prediction algorithms are not available or were not evaluated, and the functional significance of this variant is currently unknown. In summary, the available evidence is currently insufficient to determine the role of this variant in disease. Therefore, it has been classified as a Variant of Uncertain Significance.

NM_001267550.2(TTN):c.103064C>A (p.Pro34355His)

Genes: TTN (titin; minus strand), TTN-AS1 (TTN antisense RNA 1; plus strand). Cytogenetic location: 2q31.2.
Variant type: single nucleotide variant.
Coding change: c.103064C>A on transcript NM_001267550.2 (MANE Select); coding-DNA position 103064, C replaced by A.
Protein change: p.Pro34355His; replaces proline 34355 with histidine.
Molecular consequence: missense variant.
Genome position (GRCh38, 1-based): chr2:178,533,551, G>T on the plus strand (C>A on the coding strand, the complement: TTN is on the minus strand). VCF-style: chr2-178533551-G-T. GRCh37 (hg19) VCF-style: chr2-179398278-G-T.
Other names: c.98141C>A, p.Pro32714His (NM_001256850.1); c.75869C>A, p.Pro25290His (NM_003319.4); c.95360C>A, p.Pro31787His (NM_133378.4); c.76244C>A, p.Pro25415His (NM_133432.3); c.76445C>A, p.Pro25482His (NM_133437.4); short protein forms P25290H, P25415H, P25482H, P31787H, P32714H, P34355H.
Identifiers: ClinVar variation 3751485 (VCV003751485.2).